The following is an entry in ClinVar:

ClinVar aggregate classification (germline): Pathogenic/Likely pathogenic. Review status: criteria provided, multiple submitters, no conflicts (2 of 4 stars). 5 submissions from 5 submitters: Pathogenic (4); Likely pathogenic (1). Last evaluated 2026-01-26.

Conditions:
Retinitis pigmentosa 25 (RP25). Identifiers: Orphanet 791, MedGen C1864446, MONDO:0011272, OMIM 602772.

Submissions (5):

Medical and Scientific Branch, Hong Kong Genome Institute
Classification: Pathogenic for Retinitis pigmentosa 25. Last evaluated: 2026-01-26. Review status: criteria provided, single submitter. Criteria: ACMG Guidelines, 2015. Collection method: clinical testing. Allele origin: unknown. Affected: yes.

Fulgent Genetics
Classification: Likely pathogenic for Retinitis pigmentosa 25. Last evaluated: 2024-05-01. Review status: criteria provided, single submitter. Criteria: ACMG Guidelines, 2015. Collection method: clinical testing. Allele origin: germline.

Labcorp Genetics (formerly Invitae), Labcorp
Classification: Pathogenic. Last evaluated: 2024-03-05. Review status: criteria provided, single submitter. Criteria: Invitae Variant Classification Sherloc (09022015). Collection method: clinical testing. Allele origin: germline.
Comment: This sequence change creates a premature translational stop signal (p.Ile829Thrfs*39) in the EYS gene. It is expected to result in an absent or disrupted protein product. Loss-of-function variants in EYS are known to be pathogenic (PMID: 18836446, 20333770). This variant is not present in population databases (gnomAD no frequency). This premature translational stop signal has been observed in individual(s) with inherited retinal dystrophy (PMID: 31054281, 33090715). ClinVar contains an entry for this variant (Variation ID: 1403966). For these reasons, this variant has been classified as Pathogenic.

Baylor Genetics
Classification: Pathogenic for Retinitis pigmentosa 25. Last evaluated: 2024-01-29. Review status: criteria provided, single submitter. Criteria: ACMG Guidelines, 2015. Collection method: clinical testing. Allele origin: unknown.

Siriraj Ophthalmic Genetics Research, Faculty of Medicine Siriraj Hospital, Mahidol University
Classification: Pathogenic for Retinitis pigmentosa 25. Last evaluated: 2022-05-01. Review status: criteria provided, single submitter. Criteria: ACMG Guidelines, 2015. Collection method: research. Allele origin: germline. Affected: yes. Observed: 1 compound heterozygote.

Literature cited by the submitters: PubMed 18836446 (cited by Labcorp Genetics (formerly Invitae), Labcorp); PubMed 20333770 (cited by Labcorp Genetics (formerly Invitae), Labcorp); PubMed 31054281 (cited by Labcorp Genetics (formerly Invitae), Labcorp); PubMed 33090715 (cited by Labcorp Genetics (formerly Invitae), Labcorp).

NM_001142800.2(EYS):c.2486del (p.Ile829fs)

Gene: EYS (EGF-like photoreceptor maintenance factor; minus strand). Cytogenetic location: 6q12.
Variant type: Deletion.
Coding change: c.2486del on transcript NM_001142800.2 (MANE Select); coding-DNA position 2486, one base deleted (T; older notation c.2486delT).
Protein change: p.Ile829fs; shifts the reading frame from isoleucine 829.
Molecular consequence: frameshift variant.
Genome position (GRCh38, 1-based): chr6:64,912,639, A deleted on the plus strand (T on the coding strand, the reverse complement: EYS is on the minus strand). VCF-style (leftmost placement, unchanged base first): chr6-64912638-GA-G. GRCh37 (hg19) VCF-style: chr6-65622531-GA-G.
Other names: c.2486del, p.Ile829fs (NM_001292009.2); short protein forms I829fs.
Identifiers: ClinVar variation 1403966 (VCV001403966.10), dbSNP rs2150076869, ClinGen allele CA2573141030.